The following is an entry in ClinVar:

ClinVar aggregate classification (germline): Likely benign. Review status: criteria provided, multiple submitters, no conflicts (2 of 4 stars). 2 submissions from 2 submitters: Likely benign (2). Last evaluated 2026-05-01.

Allele frequency attached by ClinVar (database versions not stated): gnomAD 0.00001; TOPMed 0.00006; gnomAD exomes 0.00008; ExAC 0.00016.
gnomAD v4.1: 47 of 1,613,764 alleles (0.0029%); highest among the groups gnomAD compares: Admixed American, 0.078%; no homozygotes.

Submissions (2):

CeGaT Center for Human Genetics Tuebingen
Classification: Likely benign. Last evaluated: 2026-05-01. Review status: criteria provided, single submitter. Criteria: CeGaT Center For Human Genetics Tuebingen Variant Classification Criteria Version 2. Collection method: clinical testing. Allele origin: germline. Affected: yes. Observed: 1 variant allele.
Comment: ATP6V1A: BP4, BP7

Labcorp Genetics (formerly Invitae), Labcorp
Classification: Likely benign. Last evaluated: 2025-11-17. Review status: criteria provided, single submitter. Criteria: Invitae Variant Classification Sherloc (09022015). Collection method: clinical testing. Allele origin: germline.

NM_001690.4(ATP6V1A):c.1821C>T (p.Asp607=)

Gene: ATP6V1A (ATPase H+ transporting V1 subunit A; plus strand). Cytogenetic location: 3q13.31.
Variant type: single nucleotide variant.
Coding change: c.1821C>T on transcript NM_001690.4 (MANE Select); coding-DNA position 1821, C replaced by T.
Protein change: p.Asp607=; no amino-acid change (aspartic acid 607 retained).
Molecular consequence: synonymous variant.
Genome position (GRCh38, 1-based): chr3:113,809,394, C>T. VCF-style: chr3-113809394-C-T. GRCh37 (hg19) VCF-style: chr3-113528241-C-T.
Identifiers: ClinVar variation 2170968 (VCV002170968.6), dbSNP rs746763265, ClinGen allele CA2548171.